The following is an entry in ClinVar:

ClinVar aggregate classification (germline): Uncertain significance (1 of 4 stars; one submission).

Conditions:
Idiopathic generalized epilepsy. Also called: Generalised epilepsy; EIG. Identifiers: MedGen C0270850, MONDO:0005579, OMIM 600669.

Allele frequency attached by ClinVar (database versions not stated): gnomAD exomes 0.00002; ExAC 0.00003; gnomAD 0.00005; TOPMed 0.00007; ESP Exome Variant Server 0.00008.
gnomAD v4.1: 40 of 1,561,004 alleles (0.0026%); highest among the groups gnomAD compares: African/African-American, 0.0041%; no homozygotes.

Submission:

Labcorp Genetics (formerly Invitae), Labcorp
Classification: Uncertain significance for Idiopathic generalized epilepsy. Last evaluated: 2023-12-21. Review status: criteria provided, single submitter. Criteria: Invitae Variant Classification Sherloc (09022015). Collection method: clinical testing. Allele origin: germline.
Comment: This sequence change affects codon 440 of the GABRD mRNA. It is a 'silent' change, meaning that it does not change the encoded amino acid sequence of the GABRD protein. This variant is present in population databases (rs376039954, gnomAD 0.01%). This variant has not been reported in the literature in individuals affected with GABRD-related conditions. ClinVar contains an entry for this variant (Variation ID: 1967098). Algorithms developed to predict the effect of sequence changes on RNA splicing suggest that this variant may create or strengthen a splice site. In summary, the available evidence is currently insufficient to determine the role of this variant in disease. Therefore, it has been classified as a Variant of Uncertain Significance.

NM_000815.5(GABRD):c.1320G>A (p.Ala440=)

Gene: GABRD (gamma-aminobutyric acid type A receptor subunit delta; plus strand). Cytogenetic location: 1p36.33.
Variant type: single nucleotide variant.
Coding change: c.1320G>A on transcript NM_000815.5 (MANE Select); coding-DNA position 1320, G replaced by A.
Protein change: p.Ala440=; no amino-acid change (alanine 440 retained).
Molecular consequence: synonymous variant.
Genome position (GRCh38, 1-based): chr1:2,030,243, G>A. VCF-style: chr1-2030243-G-A. GRCh37 (hg19) VCF-style: chr1-1961682-G-A.
Identifiers: ClinVar variation 1967098 (VCV001967098.5), dbSNP rs376039954, ClinGen allele CA534974.
Genomic context (GRCh38, chr1:2,030,243, plus strand): 5'-GCCCATCGACGCAGACACCATTGACATTTACGCCCGCGCTGTGTTCCCTGCGGCGTTTGC[G>A]GCCGTCAATGTCATCTACTGGGCGGCATACGCCATGTGAGCACAGGACTCAGGCCACCCT-3'
Protein context (NP_000806.2, residues 430-450): YARAVFPAAF[Ala440=]AVNVIYWAAY